The following is an entry in ClinVar:

ClinVar aggregate classification (germline): Uncertain significance (1 of 4 stars; one submission).

Allele frequency attached by ClinVar (database versions not stated): gnomAD exomes below 0.00001.
gnomAD v4.1: 1 of 1,441,608 alleles (0.000069%); highest among the groups gnomAD compares: Non-Finnish European, 0.000092%; no homozygotes.

Submission:

Labcorp Genetics (formerly Invitae), Labcorp
Classification: Uncertain significance. Last evaluated: 2022-07-30. Review status: criteria provided, single submitter. Criteria: Invitae Variant Classification Sherloc (09022015). Collection method: clinical testing. Allele origin: germline.
Comment: This variant has not been reported in the literature in individuals affected with EEF2-related conditions. This variant is not present in population databases (gnomAD no frequency). This sequence change falls in intron 11 of the EEF2 gene. It does not directly change the encoded amino acid sequence of the EEF2 protein. Algorithms developed to predict the effect of sequence changes on RNA splicing suggest that this variant may create or strengthen a splice site. In summary, the available evidence is currently insufficient to determine the role of this variant in disease. Therefore, it has been classified as a Variant of Uncertain Significance.

NM_001961.4(EEF2):c.1714-11T>G

Gene: EEF2 (eukaryotic translation elongation factor 2; minus strand). Cytogenetic location: 19p13.3.
Variant type: single nucleotide variant.
Coding change: c.1714-11T>G on transcript NM_001961.4 (MANE Select); 11 bases into the intron before coding-DNA position 1714, T replaced by G.
Molecular consequence: intron variant.
Genome position (GRCh38, 1-based): chr19:3,978,183, A>C on the plus strand (T>G on the coding strand, the complement: EEF2 is on the minus strand). VCF-style: chr19-3978183-A-C. GRCh37 (hg19) VCF-style: chr19-3978181-A-C.
Identifiers: ClinVar variation 2134067 (VCV002134067.4), dbSNP rs2512199947, ClinGen allele CA2580096976.